The following is an entry in ClinVar:

NM_000138.5(FBN1):c.4591T>C (p.Ser1531Pro)

Gene: FBN1 (fibrillin 1; minus strand). Cytogenetic location: 15q21.1.
Variant type: single nucleotide variant.
Coding change: c.4591T>C on transcript NM_000138.5 (MANE Select); coding-DNA position 4591, T replaced by C.
Protein change: p.Ser1531Pro; replaces serine 1531 with proline.
Molecular consequence: missense variant.
Genome position (GRCh38, 1-based): chr15:48,468,094, A>G on the plus strand (T>C on the coding strand, the complement: FBN1 is on the minus strand). VCF-style: chr15-48468094-A-G. GRCh37 (hg19) VCF-style: chr15-48760291-A-G.
Other names: c.4591T>C, p.Ser1531Pro (NM_001406716.1); short protein forms S1531P.
Identifiers: ClinVar variation 3073048 (VCV003073048.1), dbSNP rs2505502034, ClinGen allele CA392353175.
Genomic context (GRCh38, chr15:48,468,094, plus strand): 5'-TGCTGCAGGCTGTATCTCCATTGTCTCCTCGAGGTCGAATATCCAAATAGCAATTTCCAG[A>G]GCGGGTATCTATTTACCATATACAAACACAAAAGCATCAGGCAGAATCTTTCTACTGGGG-3'
Protein context (NP_000129.3, residues 1521-1541): PTRVGCVDTR[Ser1531Pro]GNCYLDIRPR

ClinVar aggregate classification (germline): Uncertain significance (1 of 4 stars; one submission).

Conditions:
Marfan syndrome (MFS). Also called: MARFAN SYNDROME, TYPE I; Marfan syndrome type 1; Marfan's syndrome; Marfan syndrome, classic; FBN1-Related Marfan Syndrome. Identifiers: Orphanet 284963, Orphanet 558, MedGen C0024796, MONDO:0007947, OMIM 154700.

gnomAD v4.1: 1 of 1,614,106 alleles (0.000062%); highest among the groups gnomAD compares: Non-Finnish European, 0.000085%; no homozygotes.

Submission:

All of Us Research Program, National Institutes of Health
Classification: Uncertain significance for Marfan syndrome. Last evaluated: 2023-12-18. Review status: criteria provided, single submitter. Criteria: ACMG Guidelines, 2015. Collection method: clinical testing. Allele origin: germline. Inheritance: Autosomal dominant inheritance. Observed: 1 variant allele, 1 heterozygote.
Comment: This missense variant replaces serine with proline at codon 1531 of the FBN1 protein. Computational prediction suggests that this variant may have deleterious impact on protein structure and function (internally defined REVEL score threshold >= 0.7, PMID: 27666373). To our knowledge, functional studies have not been reported for this variant. This variant has not been reported in individuals affected with FBN1-related disorders in the literature. This variant has not been identified in the general population by the Genome Aggregation Database (gnomAD). The available evidence is insufficient to determine the role of this variant in disease conclusively. Therefore, this variant is classified as a Variant of Uncertain Significance.

This study involves interpretation of variants in research participants for the purpose of population health screening. Participant phenotype was not available at the time of variant classification. Additional details can be found in publication PMID: 35346344, PMCID: PMC8962531